The following is an entry in ClinVar:

ClinVar aggregate classification (germline): Benign/Likely benign. Review status: criteria provided, multiple submitters, no conflicts (2 of 4 stars). 6 submissions from 6 submitters: Benign (2); Likely benign (3). 1 of the submissions does not count toward it. Last evaluated 2026-05-01.

Conditions:
KIF23-related disorder. Also called: KIF23-related condition.

Allele frequency attached by ClinVar (database versions not stated): ExAC 0.00339; ESP Exome Variant Server 0.00354; 1000 Genomes Project 30x 0.00375; 1000 Genomes Project 0.00379; gnomAD exomes 0.00399; gnomAD 0.00420 and 0.00427; TOPMed 0.00534.
gnomAD v4.1: 4,636 of 1,613,194 alleles (0.29%); highest among the groups gnomAD compares: Middle Eastern, 1.3%; 26 homozygotes.

Submissions (18):

CeGaT Center for Human Genetics Tuebingen
Classification: Benign. Last evaluated: 2026-05-01. Review status: criteria provided, single submitter. Criteria: CeGaT Center For Human Genetics Tuebingen Variant Classification Criteria Version 2. Collection method: clinical testing. Allele origin: germline. Affected: yes. Observed: 2 variant alleles.
Comment: KIF23: BP4, BS1, BS2

Labcorp Genetics (formerly Invitae), Labcorp
Classification: Benign. Last evaluated: 2026-02-03. Review status: criteria provided, single submitter. Criteria: Invitae Variant Classification Sherloc (09022015). Collection method: clinical testing. Allele origin: germline.

Mayo Clinic Laboratories, Mayo Clinic
Classification: Likely benign. Last evaluated: 2025-11-04. Review status: criteria provided, single submitter. Criteria: ACMG Guidelines, 2015. Collection method: clinical testing. Allele origin: germline. Observed: 31 variant alleles.
Comment: BS2, BP4

Genomic Medicine Center of Excellence, King Faisal Specialist Hospital and Research Centre
Classification: Likely benign. Last evaluated: 2025-08-18. Review status: criteria provided, single submitter. Criteria: ACMG Guidelines, 2015. Collection method: clinical testing. Allele origin: germline.

Blueprint Genetics
Classification: Likely benign. Last evaluated: 2024-11-25. Review status: criteria provided, single submitter. Criteria: ACMG Guidelines, 2015. Collection method: clinical testing. Allele origin: germline.

PreventionGenetics, part of Exact Sciences
Classification: Benign for KIF23-related condition. Last evaluated: 2020-03-12. Review status: no assertion criteria provided. Collection method: clinical testing. Allele origin: germline. Not counted in ClinVar's aggregate classification.
Comment: This variant is classified as benign based on ACMG/AMP sequence variant interpretation guidelines (Richards et al. 2015 PMID: 25741868, with internal and published modifications).

Dr. Peter K. Rogan Lab, Western University
No classification provided (evidence only). Condition: Malignant tumor of urinary bladder. Review status: no classification provided. Collection method: in vitro. Allele origin: not applicable. Functional consequence: retained intron. Not counted in ClinVar's aggregate classification.

Dr. Peter K. Rogan Lab, Western University
No classification provided (evidence only). Condition: Lung cancer. Review status: no classification provided. Collection method: in vitro. Allele origin: not applicable. Functional consequence: retained intron. Not counted in ClinVar's aggregate classification.

Dr. Peter K. Rogan Lab, Western University
No classification provided (evidence only). Condition: Melanoma. Review status: no classification provided. Collection method: in vitro. Allele origin: not applicable. Functional consequence: retained intron. Not counted in ClinVar's aggregate classification.

Dr. Peter K. Rogan Lab, Western University
No classification provided (evidence only). Condition: Melanoma. Review status: no classification provided. Collection method: in vitro. Allele origin: not applicable. Functional consequence: retained intron. Not counted in ClinVar's aggregate classification.

Dr. Peter K. Rogan Lab, Western University
No classification provided (evidence only). Condition: Familial cancer of breast. Review status: no classification provided. Collection method: in vitro. Allele origin: not applicable. Functional consequence: retained intron. Not counted in ClinVar's aggregate classification.

Dr. Peter K. Rogan Lab, Western University
No classification provided (evidence only). Condition: Familial cancer of breast. Review status: no classification provided. Collection method: in vitro. Allele origin: not applicable. Functional consequence: retained intron. Not counted in ClinVar's aggregate classification.

Dr. Peter K. Rogan Lab, Western University
No classification provided (evidence only). Condition: Colon adenocarcinoma. Review status: no classification provided. Collection method: in vitro. Allele origin: not applicable. Functional consequence: retained intron. Not counted in ClinVar's aggregate classification.

Dr. Peter K. Rogan Lab, Western University
No classification provided (evidence only). Condition: Colon adenocarcinoma. Review status: no classification provided. Collection method: in vitro. Allele origin: not applicable. Functional consequence: retained intron. Not counted in ClinVar's aggregate classification.

Dr. Peter K. Rogan Lab, Western University
No classification provided (evidence only). Condition: Ovarian serous cystadenocarcinoma. Review status: no classification provided. Collection method: in vitro. Allele origin: not applicable. Functional consequence: retained intron. Not counted in ClinVar's aggregate classification.

Dr. Peter K. Rogan Lab, Western University
No classification provided (evidence only). Condition: Malignant tumor of esophagus. Review status: no classification provided. Collection method: in vitro. Allele origin: not applicable. Functional consequence: retained intron. Not counted in ClinVar's aggregate classification.

Dr. Peter K. Rogan Lab, Western University
No classification provided (evidence only). Condition: Malignant tumor of esophagus. Review status: no classification provided. Collection method: in vitro. Allele origin: not applicable. Functional consequence: retained intron. Not counted in ClinVar's aggregate classification.

Dr. Peter K. Rogan Lab, Western University
No classification provided (evidence only). Condition: Malignant tumor of esophagus. Review status: no classification provided. Collection method: in vitro. Allele origin: not applicable. Functional consequence: retained intron. Not counted in ClinVar's aggregate classification.

NM_001367805.3(KIF23):c.293A>G (p.Asn98Ser)

Gene: KIF23 (kinesin family member 23; plus strand). Cytogenetic location: 15q23.
Variant type: single nucleotide variant.
Coding change: c.293A>G on transcript NM_001367805.3 (MANE Select); coding-DNA position 293, A replaced by G.
Protein change: p.Asn98Ser; replaces asparagine 98 with serine.
Molecular consequence: missense variant. On other transcripts: non-coding transcript variant (2).
Genome position (GRCh38, 1-based): chr15:69,421,729, A>G. VCF-style: chr15-69421729-A-G. GRCh37 (hg19) VCF-style: chr15-69714068-A-G.
Other names: c.100A>G, p.Met34Val (NM_001281301.2); c.293A>G, p.Asn98Ser (NM_001367804.2, NM_004856.7, NM_138555.4); short protein forms N98S, M34V.
Identifiers: ClinVar variation 774916 (VCV000774916.54), dbSNP rs61751120, ClinGen allele CA7634862.
Genomic context (GRCh38, chr15:69,421,729, plus strand): 5'-TATTTGGCACTCACACCACCCAGAAGGAACTCTTTGATGTTGTGGCTAATCCCTTGGTCA[A>G]TGACCTCATTCATGGCAAAAATGGTATGATATGACTCTTGGAGTTTTGTTAGATTTTCCT-3'
Protein context (NP_001354734.1, residues 88-108): LFDVVANPLV[Asn98Ser]DLIHGKNGLL